The following is an entry in ClinVar:

ClinVar aggregate classification (germline): Uncertain significance. Review status: no assertion criteria provided (0 of 4 stars). 2 submissions from 1 submitter: Uncertain significance (1). 1 of the submissions does not count toward it.

Submissions (2):

Richard Lifton Laboratory, Yale University School of Medicine
Classification: Uncertain significance. Review status: no assertion criteria provided. Collection method: not provided. Allele origin: somatic.
Comment: PCNT:p.L723V
ClinVar note: Converted during submission from unknown to Uncertain significance.

Richard Lifton Laboratory, Yale University School of Medicine
Classification: Uncertain significance. Review status: flagged submission. Collection method: not provided. Allele origin: somatic. Not counted in ClinVar's aggregate classification.
ClinVar note: Converted during submission from unknown to Uncertain significance.
ClinVar note: Reason: This record appears to be redundant with a more recent record from the same submitter.
ClinVar note: Notes: SCV000120077 appears to be redundant with SCV000155181.

NM_006031.6(PCNT):c.2167C>G (p.Leu723Val)

Gene: PCNT (pericentrin; plus strand). Cytogenetic location: 21q22.3.
Variant type: single nucleotide variant.
Coding change: c.2167C>G on transcript NM_006031.6 (MANE Select); coding-DNA position 2167, C replaced by G.
Protein change: p.Leu723Val; replaces leucine 723 with valine.
Molecular consequence: missense variant.
Genome position (GRCh38, 1-based): chr21:46,363,492, C>G. VCF-style: chr21-46363492-C-G. GRCh37 (hg19) VCF-style: chr21-47783407-C-G.
Other names: c.1813C>G, p.Leu605Val (NM_001315529.2); short protein forms L723V, L605V.
Identifiers: ClinVar variation 100853 (VCV000100853.2), dbSNP rs483352730, ClinGen allele CA229132.